The following is an entry in ClinVar:

NM_002878.4(RAD51D):c.116T>G (p.Val39Gly)

Genes: RAD51L3-RFFL (RAD51L3-RFFL readthrough; minus strand), RAD51D (RAD51 paralog D; minus strand). Cytogenetic location: 17q12.
Variant type: single nucleotide variant.
Coding change: c.116T>G on transcript NM_002878.4 (MANE Select); coding-DNA position 116, T replaced by G.
Protein change: p.Val39Gly; replaces valine 39 with glycine.
Molecular consequence: missense variant. On other transcripts: non-coding transcript variant (2).
Genome position (GRCh38, 1-based): chr17:35,119,139, A>C on the plus strand (T>G on the coding strand, the complement: RAD51D is on the minus strand). VCF-style: chr17-35119139-A-C. GRCh37 (hg19) VCF-style: chr17-33446158-A-C.
Other names: c.116T>G, p.Val39Gly (NM_001142571.2, NM_133629.3); short protein forms V39G.
Identifiers: ClinVar variation 565429 (VCV000565429.21), dbSNP rs1567735836, ClinGen allele CA399091878.

ClinVar aggregate classification (germline): Uncertain significance. Review status: criteria provided, multiple submitters, no conflicts (2 of 4 stars). 4 submissions from 4 submitters: Uncertain significance (4). Last evaluated 2025-07-03.

Conditions:
Hereditary cancer-predisposing syndrome. Also called: Hereditary neoplastic syndrome; Neoplastic Syndromes, Hereditary; Tumor predisposition; Hereditary Cancer Syndrome. Identifiers: Orphanet 140162, MedGen C0027672, MeSH D009386, MONDO:0015356.
Breast-ovarian cancer, familial, susceptibility to, 4. Identifiers: Orphanet 145, MedGen C3280345, MONDO:0013669, OMIM 614291.

Submissions (4):

Ambry Genetics
Classification: Uncertain significance for Hereditary cancer-predisposing syndrome. Last evaluated: 2025-07-03. Review status: criteria provided, single submitter. Criteria: Ambry Variant Classification Scheme 2023. Collection method: clinical testing. Allele origin: germline.
Comment: The p.V39G variant (also known as c.116T>G), located in coding exon 2 of the RAD51D gene, results from a T to G substitution at nucleotide position 116. The valine at codon 39 is replaced by glycine, an amino acid with dissimilar properties. This amino acid position is well conserved in available vertebrate species. In addition, this alteration is predicted to be deleterious by in silico analysis. Since supporting evidence is limited at this time, the clinical significance of this alteration remains unclear.

Labcorp Genetics (formerly Invitae), Labcorp
Classification: Uncertain significance for Breast-ovarian cancer, familial, susceptibility to, 4. Last evaluated: 2025-04-22. Review status: criteria provided, single submitter. Criteria: Invitae Variant Classification Sherloc (09022015). Collection method: clinical testing. Allele origin: germline.
Comment: This sequence change replaces valine, which is neutral and non-polar, with glycine, which is neutral and non-polar, at codon 39 of the RAD51D protein (p.Val39Gly). This variant is not present in population databases (gnomAD no frequency). This variant has not been reported in the literature in individuals affected with RAD51D-related conditions. ClinVar contains an entry for this variant (Variation ID: 565429). An algorithm developed to predict the effect of missense changes on protein structure and function (PolyPhen-2) suggests that this variant is likely to be disruptive. In summary, the available evidence is currently insufficient to determine the role of this variant in disease. Therefore, it has been classified as a Variant of Uncertain Significance.

Baylor Genetics
Classification: Uncertain significance for Breast-ovarian cancer, familial, susceptibility to, 4. Last evaluated: 2024-03-09. Review status: criteria provided, single submitter. Criteria: ACMG Guidelines, 2015. Collection method: clinical testing. Allele origin: unknown.

Color Diagnostics, LLC DBA Color Health
Classification: Uncertain significance for Hereditary cancer-predisposing syndrome. Last evaluated: 2024-03-06. Review status: criteria provided, single submitter. Criteria: ACMG Guidelines, 2015. Collection method: clinical testing. Allele origin: germline.
Comment: This missense variant replaces valine with glycine at codon 39 of the RAD51D protein. Computational prediction is inconclusive regarding the impact of this variant on protein structure and function (internally defined REVEL score threshold 0.5 < inconclusive < 0.7, PMID: 27666373). Splice site prediction tools suggest that this variant may not impact RNA splicing. To our knowledge, functional studies have not been performed for this variant. This variant has not been reported in individuals affected with hereditary cancer in the literature. This variant has not been identified in the general population by the Genome Aggregation Database (gnomAD). The available evidence is insufficient to determine the role of this variant in disease conclusively. Therefore, this variant is classified as a Variant of Uncertain Significance.